The following is an entry in ClinVar:

NM_001261826.3(AP3D1):c.1241A>G (p.Asn414Ser)

Gene: AP3D1 (adaptor related protein complex 3 subunit delta 1; minus strand). Cytogenetic location: 19p13.3.
Variant type: single nucleotide variant.
Coding change: c.1241A>G on transcript NM_001261826.3 (MANE Select); coding-DNA position 1241, A replaced by G.
Protein change: p.Asn414Ser; replaces asparagine 414 with serine.
Molecular consequence: missense variant.
Genome position (GRCh38, 1-based): chr19:2,121,172, T>C on the plus strand (A>G on the coding strand, the complement: AP3D1 is on the minus strand). VCF-style: chr19-2121172-T-C. GRCh37 (hg19) VCF-style: chr19-2121171-T-C.
Other names: c.1241A>G (NM_003938.5); c.1241A>G, p.Asn414Ser (NM_001374799.1, NM_003938.8); short protein forms N414S.
Identifiers: ClinVar variation 1496883 (VCV001496883.9), dbSNP rs1256115186, ClinGen allele CA403223766.

ClinVar aggregate classification (germline): Uncertain significance. Review status: criteria provided, multiple submitters, no conflicts (2 of 4 stars). 2 submissions from 2 submitters: Uncertain significance (2). Last evaluated 2024-11-16.

Conditions:
Inborn genetic diseases. Identifiers: MedGen C0950123, MeSH D030342.

Allele frequency attached by ClinVar (database versions not stated): gnomAD exomes 0.00001 and 0.00002; TOPMed 0.00002; gnomAD 0.00003.

Submissions (2):

Labcorp Genetics (formerly Invitae), Labcorp
Classification: Uncertain significance. Last evaluated: 2024-11-16. Review status: criteria provided, single submitter. Criteria: Invitae Variant Classification Sherloc (09022015). Collection method: clinical testing. Allele origin: germline.
Comment: This sequence change replaces asparagine, which is neutral and polar, with serine, which is neutral and polar, at codon 414 of the AP3D1 protein (p.Asn414Ser). The frequency data for this variant in the population databases is considered unreliable, as metrics indicate poor data quality at this position in the gnomAD database. This variant has not been reported in the literature in individuals affected with AP3D1-related conditions. ClinVar contains an entry for this variant (Variation ID: 1496883). An algorithm developed to predict the effect of missense changes on protein structure and function (PolyPhen-2) suggests that this variant is likely to be tolerated. In summary, the available evidence is currently insufficient to determine the role of this variant in disease. Therefore, it has been classified as a Variant of Uncertain Significance.

Ambry Genetics
Classification: Uncertain significance for Inborn genetic diseases. Last evaluated: 2024-01-30. Review status: criteria provided, single submitter. Criteria: Ambry Variant Classification Scheme 2023. Collection method: clinical testing. Allele origin: germline.